The following is an entry in ClinVar:

NM_004336.5(BUB1):c.3089A>C (p.Glu1030Ala)

Gene: BUB1 (BUB1 mitotic checkpoint serine/threonine kinase; minus strand). Cytogenetic location: 2q13.
Variant type: single nucleotide variant.
Coding change: c.3089A>C on transcript NM_004336.5 (MANE Select); coding-DNA position 3089, A replaced by C.
Protein change: p.Glu1030Ala; replaces glutamic acid 1030 with alanine.
Molecular consequence: missense variant.
Genome position (GRCh38, 1-based): chr2:110,638,133, T>G on the plus strand (A>C on the coding strand, the complement: BUB1 is on the minus strand). VCF-style: chr2-110638133-T-G. GRCh37 (hg19) VCF-style: chr2-111395710-T-G.
Other names: c.3029A>C, p.Glu1010Ala (NM_001278616.2); c.2918A>C, p.Glu973Ala (NM_001278617.2); short protein forms E1030A, E1010A, E973A.
Identifiers: ClinVar variation 3670493 (VCV003670493.2).

ClinVar aggregate classification (germline): Uncertain significance (1 of 4 stars; one submission).

gnomAD v4.1: 46 of 1,598,370 alleles (0.0029%); highest among the groups gnomAD compares: Non-Finnish European, 0.0039%; no homozygotes.

Submission:

Labcorp Genetics (formerly Invitae), Labcorp
Classification: Uncertain significance. Last evaluated: 2024-12-12. Review status: criteria provided, single submitter. Criteria: Invitae Variant Classification Sherloc (09022015). Collection method: clinical testing. Allele origin: germline.
Comment: This sequence change replaces glutamic acid, which is acidic and polar, with alanine, which is neutral and non-polar, at codon 1030 of the BUB1 protein (p.Glu1030Ala). This variant is present in population databases (rs528194626, gnomAD 0.007%). This variant has not been reported in the literature in individuals affected with BUB1-related conditions. Experimental studies and prediction algorithms are not available or were not evaluated, and the functional significance of this variant is currently unknown. In summary, the available evidence is currently insufficient to determine the role of this variant in disease. Therefore, it has been classified as a Variant of Uncertain Significance.